The following is an entry in ClinVar:

NM_001042492.3(NF1):c.5642dup (p.Cys1882fs)

Gene: NF1 (neurofibromin 1; plus strand). Cytogenetic location: 17q11.2.
Variant type: Duplication.
Coding change: c.5642dup on transcript NM_001042492.3 (MANE Select); coding-DNA position 5642, one base duplicated (C; older notation c.5642dupC).
Protein change: p.Cys1882fs; shifts the reading frame from cysteine 1882.
Molecular consequence: frameshift variant.
Genome position (GRCh38, 1-based): chr17:31,330,328, C duplicated. VCF-style (leftmost placement, unchanged base first): chr17-31330327-A-AC. GRCh37 (hg19) VCF-style: chr17-29657345-A-AC.
Other names: c.5642dupC (NM_001042492.2); c.5579dup, p.Cys1861Leufs (NM_000267.4); short protein forms C1861fs, C1882fs.
Identifiers: ClinVar variation 3346004 (VCV003346004.2).

ClinVar aggregate classification (germline): Likely pathogenic. Review status: criteria provided, single submitter (1 of 4 stars). 2 submissions from 2 submitters: Likely pathogenic (1). 1 of the submissions does not count toward it. Last evaluated 2024-05-16.

Conditions:
NF1-related disorder. Also called: NF1-related condition. Identifiers: MedGen CN379171.
Neurofibromatosis, type 1 (NF1). Also called: VON RECKLINGHAUSEN DISEASE; Peripheral type neurofibromatosis; Neurofibromatosis, type I; NEUROFIBROMATOSIS, TYPE I, SOMATIC. Identifiers: Orphanet 636, MedGen C0027831, MONDO:0018975, OMIM 162200. Disease mechanism: loss of function.

Submissions (2):

Institute for Genomic Medicine (IGM) Clinical Laboratory, Nationwide Children's Hospital
Classification: Likely pathogenic for Neurofibromatosis, type 1. Last evaluated: 2024-05-16. Review status: criteria provided, single submitter. Criteria: ACMG Guidelines, 2015. Collection method: clinical testing. Allele origin: germline.
Comment: This variant is predicted to result in loss of function through nonsense-mediated decay of the encoded transcript or premature truncation of the encoded protein in a gene in which loss of function is a known mechanism of disease (ACMG/AMP: PVS1; PMIDs:10712197, 10862084, 16835897, 16944272, 23668869). This variant is absent from or present at an exceedingly low frequency in gnomAD, a large-scale control population database (ACMG/AMP: PM2).

PreventionGenetics, part of Exact Sciences
Classification: Pathogenic for NF1-related condition. Last evaluated: 2024-05-16. Review status: no assertion criteria provided. Collection method: clinical testing. Allele origin: germline. Not counted in ClinVar's aggregate classification.
Comment: The NF1 c.5642dupC variant is predicted to result in a frameshift and premature protein termination (p.Cys1882Leufs*4). To our knowledge, this variant has not been reported in the literature or in a large population database, indicating this variant is rare. Frameshift variants in NF1 are expected to be pathogenic. This variant is interpreted as pathogenic.

Literature cited by the submitters: PubMed 10712197 (cited by Institute for Genomic Medicine (IGM) Clinical Laboratory, Nationwide Children's Hospital); PubMed 10862084 (cited by Institute for Genomic Medicine (IGM) Clinical Laboratory, Nationwide Children's Hospital); PubMed 16835897 (cited by Institute for Genomic Medicine (IGM) Clinical Laboratory, Nationwide Children's Hospital); PubMed 16944272 (cited by Institute for Genomic Medicine (IGM) Clinical Laboratory, Nationwide Children's Hospital); PubMed 23668869 (cited by Institute for Genomic Medicine (IGM) Clinical Laboratory, Nationwide Children's Hospital).